The following is an entry in ClinVar:

NM_020975.6(RET):c.3064A>G (p.Thr1022Ala)

Gene: RET (ret proto-oncogene; plus strand). Cytogenetic location: 10q11.21.
Variant type: single nucleotide variant.
Coding change: c.3064A>G on transcript NM_020975.6 (MANE Select); coding-DNA position 3064, A replaced by G.
Protein change: p.Thr1022Ala; replaces threonine 1022 with alanine.
Molecular consequence: missense variant.
Genome position (GRCh38, 1-based): chr10:43,126,599, A>G. VCF-style: chr10-43126599-A-G. GRCh37 (hg19) VCF-style: chr10-43622047-A-G.
Other names: c.3064A>G, p.Thr1022Ala (NM_000323.2, NM_001406743.1, NM_001406744.1 and 4 more transcripts); c.2302A>G, p.Thr768Ala (NM_001355216.2); c.2935A>G, p.Thr979Ala (NM_001406761.1, NM_001406762.1, NM_001406764.1); c.2929A>G, p.Thr977Ala (NM_001406763.1, NM_001406765.1); c.2776A>G, p.Thr926Ala (NM_001406766.1, NM_001406767.1, NM_001406770.1); c.2800A>G, p.Thr934Ala (NM_001406768.1); c.2668A>G, p.Thr890Ala (NM_001406769.1, NM_001406772.1); c.2626A>G, p.Thr876Ala (NM_001406771.1, NM_001406773.1); and 10 more; short protein forms T1022A, T539A, T587A, T627A, T678A, T680A, T683A, T692A.
Identifiers: ClinVar variation 3075552 (VCV003075552.2), dbSNP rs1207742610, ClinGen allele CA376558315.

ClinVar aggregate classification (germline): Uncertain significance. Review status: criteria provided, multiple submitters, no conflicts (2 of 4 stars). 2 submissions from 2 submitters: Uncertain significance (2). Last evaluated 2024-07-24.

Conditions:
Hereditary cancer-predisposing syndrome. Also called: Neoplastic Syndromes, Hereditary; Tumor predisposition; Hereditary neoplastic syndrome; Hereditary Cancer Syndrome. Identifiers: Orphanet 140162, MedGen C0027672, MeSH D009386, MONDO:0015356.
Multiple endocrine neoplasia, type 2 (MEN2). Identifiers: Orphanet 653, MedGen C4048306, MONDO:0019003. Disease mechanism: gain of function.

Allele frequency attached by ClinVar (database versions not stated): gnomAD exomes 0.00001.
gnomAD v4.1: 4 of 1,613,814 alleles (0.00025%); highest among the groups gnomAD compares: African/African-American, 0.0013%; no homozygotes.

Submissions (2):

Ambry Genetics
Classification: Uncertain significance for Hereditary cancer-predisposing syndrome. Last evaluated: 2024-07-24. Review status: criteria provided, single submitter. Criteria: Ambry Variant Classification Scheme 2023. Collection method: clinical testing. Allele origin: germline.
Comment: The p.T1022A variant (also known as c.3064A>G), located in coding exon 19 of the RET gene, results from an A to G substitution at nucleotide position 3064. The threonine at codon 1022 is replaced by alanine, an amino acid with similar properties. This amino acid position is conserved. In addition, this alteration is predicted to be tolerated by in silico analysis. Based on the available evidence, the clinical significance of this variant remains unclear.

All of Us Research Program, National Institutes of Health
Classification: Uncertain significance for Multiple endocrine neoplasia, type 2. Last evaluated: 2023-11-20. Review status: criteria provided, single submitter. Criteria: ACMG Guidelines, 2015. Collection method: clinical testing. Allele origin: germline. Inheritance: Autosomal dominant inheritance. Observed: 1 variant allele, 1 heterozygote.
Comment: This missense variant replaces threonine with alanine at codon 1022 of the RET protein. Computational prediction suggests that this variant may not impact protein structure and function (internally defined REVEL score threshold <= 0.5, PMID: 27666373). To our knowledge, functional studies have not been reported for this variant. This variant has not been reported in individuals affected with RET-related disorders in the literature. This variant has been identified in 1/251460 chromosomes in the general population by the Genome Aggregation Database (gnomAD). The available evidence is insufficient to determine the role of this variant in disease conclusively. Therefore, this variant is classified as a Variant of Uncertain Significance.

This study involves interpretation of variants in research participants for the purpose of population health screening. Participant phenotype was not available at the time of variant classification. Additional details can be found in publication PMID: 35346344, PMCID: PMC8962531